The following is an entry in ClinVar:

NM_001040.5(SHBG):c.554C>T (p.Pro185Leu)

Gene: SHBG (sex hormone binding globulin; plus strand). Cytogenetic location: 17p13.1.
Variant type: single nucleotide variant.
Coding change: c.554C>T on transcript NM_001040.5 (MANE Select); coding-DNA position 554, C replaced by T.
Protein change: p.Pro185Leu; replaces proline 185 with leucine.
Molecular consequence: missense variant.
Genome position (GRCh38, 1-based): chr17:7,631,360, C>T. VCF-style: chr17-7631360-C-T. GRCh37 (hg19) VCF-style: chr17-7534678-C-T.
Other names: c.554C>T, p.Pro185Leu (NM_001146279.3, NM_001146280.3, NM_001146281.3); c.380C>T, p.Pro127Leu (NM_001289113.2, NM_001289114.2, NM_001289115.2); c.206C>T, p.Pro69Leu (NM_001289116.2); short protein forms P127L, P185L, P69L.
Identifiers: ClinVar variation 3387896 (VCV003387896.14).

ClinVar aggregate classification (germline): Benign (1 of 4 stars; one submission).

gnomAD v4.1: 9,627 of 1,612,554 alleles (0.6%); highest among the groups gnomAD compares: Non-Finnish European, 0.69%; 37 homozygotes.

Submission:

CeGaT Center for Human Genetics Tuebingen
Classification: Benign. Last evaluated: 2024-10-01. Review status: criteria provided, single submitter. Criteria: CeGaT Center For Human Genetics Tuebingen Variant Classification Criteria Version 2. Collection method: clinical testing. Allele origin: germline. Affected: yes. Observed: 1 variant allele.
Comment: SHBG: BP4, BS1, BS2